The following is an entry in ClinVar:

ClinVar aggregate classification (germline): Likely pathogenic (1 of 4 stars; one submission).

Submission:

Clinical Genomics Laboratory, Laboratory for Precision Diagnostics, University of Washington
Classification: Likely pathogenic. Last evaluated: 2021-09-25. Review status: criteria provided, single submitter. Criteria: ACMG/ClinGen CNV Guidelines, 2019. Collection method: clinical testing. Allele origin: unknown. Affected: yes. Observed: 1 variant allele.
Comment: This deletion consists of the 16p12.2 recurrent microdeletion region.

Literature cited by the submitters: PubMed 30836598.

GRCh38/hg38 16p12.2(chr16:21828019-22541459)x1

Genes: CDR2 (cerebellar degeneration related protein 2), CDR2-DT (CDR2 divergent transcript), EEF2K (eukaryotic elongation factor 2 kinase), MOSMO (modulator of smoothened), NPIPB4 (nuclear pore complex interacting protein family member B4) and 35 more. Cytogenetic location: 16p12.2.
Variant type: copy number loss.
Change: copy number 1 (one copy instead of two) of chr16:21,828,019-22,541,459 (713.4 kb, GRCh38 coordinates, 1-based), cytogenetic band 16p12.2.
Identifiers: ClinVar variation 4755355 (VCV004755355.1).